The following is an entry in ClinVar:

NM_001006658.3(CR2):c.2586T>A (p.His862Gln)

Gene: CR2 (complement C3d receptor 2; plus strand). Cytogenetic location: 1q32.2.
Variant type: single nucleotide variant.
Coding change: c.2586T>A on transcript NM_001006658.3 (MANE Select); coding-DNA position 2586, T replaced by A.
Protein change: p.His862Gln; replaces histidine 862 with glutamine.
Molecular consequence: missense variant.
Genome position (GRCh38, 1-based): chr1:207,475,086, T>A. VCF-style: chr1-207475086-T-A. GRCh37 (hg19) VCF-style: chr1-207648431-T-A.
Other names: c.2409T>A, p.His803Gln (NM_001877.5); short protein forms H862Q, H803Q.
Identifiers: ClinVar variation 664721 (VCV000664721.7), dbSNP rs776844477, ClinGen allele CA1369009.

ClinVar aggregate classification (germline): Conflicting classifications of pathogenicity. Review status: criteria provided, conflicting classifications (1 of 4 stars). 5 submissions from 5 submitters: Uncertain significance (4); Likely benign (1). Last evaluated 2025-04-24.

Conditions:
Inborn genetic diseases. Identifiers: MedGen C0950123, MeSH D030342.
Immunodeficiency, common variable, 7. Identifiers: Orphanet 1572, Orphanet 696894, MedGen C3542922, MONDO:0013862, OMIM 614699.
CR2-related disorder. Also called: CR2-related disorders; CR2-related condition.

Allele frequency attached by ClinVar (database versions not stated): gnomAD 0.00001 and 0.00002; ExAC 0.00002; gnomAD exomes 0.00002; TOPMed 0.00002.
gnomAD v4.1: 39 of 1,612,630 alleles (0.0024%); highest among the groups gnomAD compares: Middle Eastern, 0.033%; no homozygotes.

Submissions (5):

Ambry Genetics
Classification: Uncertain significance for Inborn genetic diseases. Last evaluated: 2025-04-24. Review status: criteria provided, single submitter. Criteria: Ambry Variant Classification Scheme 2023. Collection method: clinical testing. Allele origin: germline.

Blueprint Genetics
Classification: Likely benign. Last evaluated: 2023-11-24. Review status: criteria provided, single submitter. Criteria: ACMG Guidelines, 2015. Collection method: clinical testing. Allele origin: germline.

Genome-Nilou Lab
Classification: Uncertain significance for Immunodeficiency, common variable, 7. Last evaluated: 2023-04-11. Review status: criteria provided, single submitter. Criteria: ACMG Guidelines, 2015. Collection method: clinical testing. Allele origin: germline. Affected: no.

PreventionGenetics, part of Exact Sciences
Classification: Uncertain significance for CR2-related condition. Last evaluated: 2022-11-30. Review status: criteria provided, single submitter. Criteria: ACMG Guidelines, 2015. Collection method: clinical testing. Allele origin: germline.
Comment: The CR2 c.2586T>A variant is predicted to result in the amino acid substitution p.His862Gln. To our knowledge, this variant has not been reported in the literature. This variant is reported in 0.0057% of alleles in individuals of Latino descent in gnomAD. At this time, the clinical significance of this variant is uncertain due to the absence of conclusive functional and genetic evidence.

Labcorp Genetics (formerly Invitae), Labcorp
Classification: Uncertain significance for Immunodeficiency, common variable, 7. Last evaluated: 2022-01-04. Review status: criteria provided, single submitter. Criteria: Invitae Variant Classification Sherloc (09022015). Collection method: clinical testing. Allele origin: germline.
Comment: This sequence change replaces histidine, which is basic and polar, with glutamine, which is neutral and polar, at codon 862 of the CR2 protein (p.His862Gln). This variant is present in population databases (rs776844477, gnomAD 0.004%). This variant has not been reported in the literature in individuals affected with CR2-related conditions. ClinVar contains an entry for this variant (Variation ID: 664721). Algorithms developed to predict the effect of missense changes on protein structure and function output the following: SIFT: "Tolerated"; PolyPhen-2: "Benign"; Align-GVGD: "Class C0". The glutamine amino acid residue is found in multiple mammalian species, which suggests that this missense change does not adversely affect protein function. In summary, the available evidence is currently insufficient to determine the role of this variant in disease. Therefore, it has been classified as a Variant of Uncertain Significance.